The following is an entry in ClinVar:

NM_001077620.3(PRCD):c.34G>A (p.Ala12Thr)

Genes: CYGB (cytoglobin; minus strand), PRCD (photoreceptor disc component; plus strand). Cytogenetic location: 17q25.1.
Variant type: single nucleotide variant.
Coding change: c.34G>A on transcript NM_001077620.3 (MANE Select); coding-DNA position 34, G replaced by A.
Protein change: p.Ala12Thr; replaces alanine 12 with threonine.
Molecular consequence: missense variant.
Genome position (GRCh38, 1-based): chr17:76,540,175, G>A. VCF-style: chr17-76540175-G-A. GRCh37 (hg19) VCF-style: chr17-74536257-G-A.
Other names: short protein forms A12T.
Identifiers: ClinVar variation 1432905 (VCV001432905.4), dbSNP rs779911519, ClinGen allele CA8787803.

ClinVar aggregate classification (germline): Uncertain significance. Review status: criteria provided, multiple submitters, no conflicts (2 of 4 stars). 2 submissions from 2 submitters: Uncertain significance (2). Last evaluated 2022-06-27.

Allele frequency attached by ClinVar (database versions not stated): gnomAD exomes 0.00001 and 0.00007; TOPMed 0.00002; gnomAD 0.00003 and 0.00004; ExAC 0.00012.
gnomAD v4.1: 15 of 1,597,190 alleles (0.00094%); highest among the groups gnomAD compares: East Asian, 0.025%; no homozygotes.

Submissions (2):

Labcorp Genetics (formerly Invitae), Labcorp
Classification: Uncertain significance. Last evaluated: 2022-06-27. Review status: criteria provided, single submitter. Criteria: Invitae Variant Classification Sherloc (09022015). Collection method: clinical testing. Allele origin: germline.
Comment: This sequence change replaces alanine, which is neutral and non-polar, with threonine, which is neutral and polar, at codon 12 of the PRCD protein (p.Ala12Thr). This variant is present in population databases (rs779911519, gnomAD 0.09%). This variant has not been reported in the literature in individuals affected with PRCD-related conditions. Algorithms developed to predict the effect of missense changes on protein structure and function (SIFT, PolyPhen-2, Align-GVGD) all suggest that this variant is likely to be disruptive. In summary, the available evidence is currently insufficient to determine the role of this variant in disease. Therefore, it has been classified as a Variant of Uncertain Significance.

Blueprint Genetics
Classification: Uncertain significance. Last evaluated: 2019-02-28. Review status: criteria provided, single submitter. Criteria: ACMG Guidelines, 2015. Collection method: clinical testing. Allele origin: germline.